The following is an entry in ClinVar:

ClinVar aggregate classification (germline): Likely pathogenic. Review status: criteria provided, multiple submitters, no conflicts (2 of 4 stars). 3 submissions from 3 submitters: Likely pathogenic (2). 1 of the submissions does not count toward it. Last evaluated 2024-04-01.

Conditions:
Arthrogryposis multiplex congenita 6. Identifiers: MedGen C5543431, MONDO:0030281, OMIM 619334.
Nemaline myopathy 2 (NEM2). Also called: Nemaline myopathy 2, autosomal recessive. Identifiers: MedGen C1850569, MONDO:0009725, OMIM 256030.

Submissions (3):

Natera, Inc.
Classification: Likely pathogenic for Nemaline myopathy type 2. Last evaluated: 2024-04-01. Review status: criteria provided, single submitter. Criteria: Natera Variant Classification Schema (03/2026). Collection method: clinical testing. Allele origin: germline.
Comment: The c.3389_3390delAT variant in NEB is a frameshift variant predicted to shift the reading frame and introduce a stop codon. This variant is expected to result in nonsense mediated decay, truncation, or a dysfunctional protein product. This variant is rare in the general population with a frequency below the threshold expected for the associated phenotype(s). Given the available evidence, this variant is classified as Likely Pathogenic.

Baylor Genetics
Classification: Likely pathogenic for Arthrogryposis multiplex congenita 6. Last evaluated: 2023-03-16. Review status: criteria provided, single submitter. Criteria: ACMG Guidelines, 2015. Collection method: clinical testing. Allele origin: unknown.

Counsyl
Classification: Likely pathogenic for Nemaline myopathy 2. Last evaluated: 2017-11-26. Review status: no assertion criteria provided. Collection method: clinical testing. Allele origin: unknown. Not counted in ClinVar's aggregate classification.

Literature cited by the submitters: PubMed 25205138 (cited by Counsyl).

NM_001164508.2(NEB):c.3389_3390del (p.Asp1129_Tyr1130insTer)

Gene: NEB (nebulin; minus strand). Cytogenetic location: 2q23.3.
Variant type: Deletion.
Coding change: c.3389_3390del on transcript NM_001164508.2 (MANE Select); coding-DNA positions 3389 to 3390, 2 bases deleted (AT; older notation c.3389_3390delAT).
Protein change: p.Asp1129_Tyr1130insTer.
Molecular consequence: nonsense.
Genome position (GRCh38, 1-based): chr2:151,678,053-151,678,054, AT deleted on the plus strand (AT on the coding strand, the reverse complement: NEB is on the minus strand); deleting any 2 consecutive bases within chr2:151,678,053-151,678,055 gives the same sequence; the c. name uses the placement nearest the transcript's 3' end. VCF-style (leftmost placement, unchanged base first): chr2-151678052-CAT-C. GRCh37 (hg19) VCF-style: chr2-152534566-CAT-C.
Other names: c.3389_3390delAT (NM_001271208.1); c.3389_3390del (NM_001271208.1); c.3389_3390del, p.Asp1129_Tyr1130insTer (NM_001164507.2, NM_001271208.2, NM_004543.5).
Identifiers: ClinVar variation 555244 (VCV000555244.4), dbSNP rs1159756073, ClinGen allele CA658823134.